The following is an entry in ClinVar:

NM_020949.3(SLC7A14):c.1970G>A (p.Arg657Gln)

Genes: SLC7A14 (solute carrier family 7 member 14; minus strand), SLC7A14-AS1 (SLC7A14 antisense RNA 1; plus strand). Cytogenetic location: 3q26.2.
Variant type: single nucleotide variant.
Coding change: c.1970G>A on transcript NM_020949.3 (MANE Select); coding-DNA position 1970, G replaced by A.
Protein change: p.Arg657Gln; replaces arginine 657 with glutamine.
Molecular consequence: missense variant.
Genome position (GRCh38, 1-based): chr3:170,480,312, C>T on the plus strand (G>A on the coding strand, the complement: SLC7A14 is on the minus strand). VCF-style: chr3-170480312-C-T. GRCh37 (hg19) VCF-style: chr3-170198101-C-T.
Other names: short protein forms R657Q.
Identifiers: ClinVar variation 964848 (VCV000964848.8), dbSNP rs776291294, ClinGen allele CA2701538.

ClinVar aggregate classification (germline): Uncertain significance. Review status: criteria provided, multiple submitters, no conflicts (2 of 4 stars). 2 submissions from 2 submitters: Uncertain significance (2). Last evaluated 2024-12-02.

Allele frequency attached by ClinVar (database versions not stated): gnomAD 0.00001 and 0.00002; ExAC 0.00002; gnomAD exomes 0.00002; TOPMed 0.00002.
gnomAD v4.1: 17 of 1,540,644 alleles (0.0011%); highest among the groups gnomAD compares: Middle Eastern, 0.017%; no homozygotes.

Submissions (2):

Labcorp Genetics (formerly Invitae), Labcorp
Classification: Uncertain significance. Last evaluated: 2024-12-02. Review status: criteria provided, single submitter. Criteria: Invitae Variant Classification Sherloc (09022015). Collection method: clinical testing. Allele origin: germline.
Comment: This sequence change replaces arginine, which is basic and polar, with glutamine, which is neutral and polar, at codon 657 of the SLC7A14 protein (p.Arg657Gln). This variant is present in population databases (rs776291294, gnomAD 0.001%). This missense change has been observed in individual(s) with retinitis pigmentosa (PMID: 30924391). ClinVar contains an entry for this variant (Variation ID: 964848). An algorithm developed to predict the effect of missense changes on protein structure and function (PolyPhen-2) suggests that this variant is likely to be disruptive. In summary, the available evidence is currently insufficient to determine the role of this variant in disease. Therefore, it has been classified as a Variant of Uncertain Significance.

Blueprint Genetics
Classification: Uncertain significance. Last evaluated: 2022-11-29. Review status: criteria provided, single submitter. Criteria: ACMG Guidelines, 2015. Collection method: clinical testing. Allele origin: germline.

Literature cited by the submitters: PubMed 30924391 (cited by Labcorp Genetics (formerly Invitae), Labcorp).